The following is an entry in ClinVar:

NM_000214.3(JAG1):c.3006C>A (p.Cys1002Ter)

Gene: JAG1 (jagged canonical Notch ligand 1; minus strand). Cytogenetic location: 20p12.2.
Variant type: single nucleotide variant.
Coding change: c.3006C>A on transcript NM_000214.3 (MANE Select); coding-DNA position 3006, C replaced by A.
Protein change: p.Cys1002Ter; replaces cysteine 1002 with a stop codon.
Molecular consequence: nonsense.
Genome position (GRCh38, 1-based): chr20:10,641,155, G>T on the plus strand (C>A on the coding strand, the complement: JAG1 is on the minus strand). VCF-style: chr20-10641155-G-T. GRCh37 (hg19) VCF-style: chr20-10621803-G-T.
Other names: c.3006C>A, p.Cys1002Ter (LRG_1191t1); short protein forms C1002*.
Identifiers: ClinVar variation 406872 (VCV000406872.8), dbSNP rs372984801, ClinGen allele CA16616230.

ClinVar aggregate classification (germline): Pathogenic (1 of 4 stars; one submission).

Conditions:
Alagille syndrome due to a JAG1 point mutation. Also called: JAG1-Related Alagille Syndrome; HEPATIC DUCTULAR HYPOPLASIA, SYNDROMATIC; Alagille Syndrome 1. Identifiers: Orphanet 261619, Orphanet 52, MedGen C1956125, MONDO:0016862, OMIM 118450.

Submission:

Labcorp Genetics (formerly Invitae), Labcorp
Classification: Pathogenic for Alagille syndrome due to a JAG1 point mutation. Last evaluated: 2021-05-06. Review status: criteria provided, single submitter. Criteria: Invitae Variant Classification Sherloc (09022015). Collection method: clinical testing. Allele origin: germline.
Comment: Loss-of-function variants in JAG1 are known to be pathogenic. This particular variant has been reported in individuals affected with Alagille syndrome (PMID: 10220506, 25525159). This sequence change creates a premature translational stop signal at codon 1002 (p.Cys1002*) of the JAG1 gene. It is expected to result in an absent or disrupted protein product. For these reasons, this variant has been classified as Pathogenic.

Literature cited by the submitters: PubMed 10220506; PubMed 25525159.